The following is an entry in ClinVar:

ClinVar aggregate classification (germline): Uncertain significance. Review status: criteria provided, multiple submitters, no conflicts (2 of 4 stars). 3 submissions from 3 submitters: Uncertain significance (3). Last evaluated 2025-03-19.

Conditions:
Hereditary cancer-predisposing syndrome. Also called: Neoplastic Syndromes, Hereditary; Hereditary Cancer Syndrome; Tumor predisposition; Hereditary neoplastic syndrome. Identifiers: Orphanet 140162, MedGen C0027672, MeSH D009386, MONDO:0015356.
Neuroblastoma, susceptibility to, 3. Also called: ALK-Related Neuroblastic Tumor Susceptibility. Identifiers: Orphanet 635, MedGen C2751681, MONDO:0013083, OMIM 613014.

Allele frequency attached by ClinVar (database versions not stated): gnomAD 0.00001; TOPMed 0.00001.
gnomAD v4.1: 3 of 1,613,846 alleles (0.00019%); highest among the groups gnomAD compares: Admixed American, 0.0017%; no homozygotes.

Submissions (3):

Labcorp Genetics (formerly Invitae), Labcorp
Classification: Uncertain significance for Neuroblastoma, susceptibility to, 3. Last evaluated: 2025-03-19. Review status: criteria provided, single submitter. Criteria: Invitae Variant Classification Sherloc (09022015). Collection method: clinical testing. Allele origin: germline.
Comment: This sequence change replaces leucine, which is neutral and non-polar, with valine, which is neutral and non-polar, at codon 1339 of the ALK protein (p.Leu1339Val). This variant is present in population databases (no rsID available, gnomAD 0.003%). This variant has not been reported in the literature in individuals affected with ALK-related conditions. ClinVar contains an entry for this variant (Variation ID: 1465854). An algorithm developed to predict the effect of missense changes on protein structure and function (PolyPhen-2) suggests that this variant is likely to be disruptive. In summary, the available evidence is currently insufficient to determine the role of this variant in disease. Therefore, it has been classified as a Variant of Uncertain Significance.

Ambry Genetics
Classification: Uncertain significance for Hereditary cancer-predisposing syndrome. Last evaluated: 2023-11-21. Review status: criteria provided, single submitter. Criteria: Ambry Variant Classification Scheme 2023. Collection method: clinical testing. Allele origin: germline.
Comment: The p.L1339V variant (also known as c.4015C>G), located in coding exon 27 of the ALK gene, results from a C to G substitution at nucleotide position 4015. The leucine at codon 1339 is replaced by valine, an amino acid with highly similar properties. This amino acid position is highly conserved in available vertebrate species. In addition, the in silico prediction for this alteration is inconclusive. Since supporting evidence is limited at this time, the clinical significance of this alteration remains unclear.

GeneDx
Classification: Uncertain significance. Last evaluated: 2022-12-19. Review status: criteria provided, single submitter. Criteria: GeneDx Variant Classification Process June 2021. Collection method: clinical testing. Allele origin: germline. Affected: yes.
Comment: Not observed at significant frequency in large population cohorts (gnomAD); In silico analysis supports that this missense variant has a deleterious effect on protein structure/function; Has not been previously published as pathogenic or benign to our knowledge

NM_004304.5(ALK):c.4015C>G (p.Leu1339Val)

Gene: ALK (ALK receptor tyrosine kinase; minus strand). Cytogenetic location: 2p23.2.
Variant type: single nucleotide variant.
Coding change: c.4015C>G on transcript NM_004304.5 (MANE Select); coding-DNA position 4015, C replaced by G.
Protein change: p.Leu1339Val; replaces leucine 1339 with valine.
Molecular consequence: missense variant.
Genome position (GRCh38, 1-based): chr2:29,197,600, G>C on the plus strand (C>G on the coding strand, the complement: ALK is on the minus strand). VCF-style: chr2-29197600-G-C. GRCh37 (hg19) VCF-style: chr2-29420466-G-C.
Other names: c.811C>G, p.Leu271Val (NM_001353765.2); short protein forms L271V, L1339V.
Identifiers: ClinVar variation 1465854 (VCV001465854.9), dbSNP rs1416439647, ClinGen allele CA346466081.